The following is an entry in ClinVar:

NM_178822.5(IGSF10):c.3248G>C (p.Ser1083Thr)

Gene: IGSF10 (immunoglobulin superfamily member 10; minus strand). Cytogenetic location: 3q25.1.
Variant type: single nucleotide variant.
Coding change: c.3248G>C on transcript NM_178822.5 (MANE Select); coding-DNA position 3248, G replaced by C.
Protein change: p.Ser1083Thr; replaces serine 1083 with threonine.
Molecular consequence: missense variant.
Genome position (GRCh38, 1-based): chr3:151,446,733, C>G on the plus strand (G>C on the coding strand, the complement: IGSF10 is on the minus strand). VCF-style: chr3-151446733-C-G. GRCh37 (hg19) VCF-style: chr3-151164521-C-G.
Other names: c.3248G>C, p.Ser1083Thr (NM_001385060.1, NM_001385061.1, NM_001385062.1 and 1 more transcripts); short protein forms S1083T.
Identifiers: ClinVar variation 2981909 (VCV002981909.3), dbSNP rs1314126952, ClinGen allele CA354998510.

ClinVar aggregate classification (germline): Uncertain significance (1 of 4 stars; one submission).

Allele frequency attached by ClinVar (database versions not stated): TOPMed below 0.00001.
gnomAD v4.1: 4 of 1,614,188 alleles (0.00025%); highest among the groups gnomAD compares: Non-Finnish European, 0.00034%; no homozygotes.

Submission:

Labcorp Genetics (formerly Invitae), Labcorp
Classification: Uncertain significance. Last evaluated: 2023-05-26. Review status: criteria provided, single submitter. Criteria: Invitae Variant Classification Sherloc (09022015). Collection method: clinical testing. Allele origin: germline.
Comment: In summary, the available evidence is currently insufficient to determine the role of this variant in disease. Therefore, it has been classified as a Variant of Uncertain Significance. This variant has not been reported in the literature in individuals affected with IGSF10-related conditions. Algorithms developed to predict the effect of missense changes on protein structure and function output the following: SIFT: "Not Available"; PolyPhen-2: "Benign"; Align-GVGD: "Not Available". The threonine amino acid residue is found in multiple mammalian species, which suggests that this missense change does not adversely affect protein function. This sequence change replaces serine, which is neutral and polar, with threonine, which is neutral and polar, at codon 1083 of the IGSF10 protein (p.Ser1083Thr). This variant is present in population databases (no rsID available, gnomAD 0.003%).